The following is an entry in ClinVar:

ClinVar aggregate classification (germline): Likely benign. Review status: criteria provided, multiple submitters, no conflicts (2 of 4 stars). 4 submissions from 4 submitters: Likely benign (4). Last evaluated 2025-03-26.

Conditions:
Ehlers-Danlos syndrome, musculocontractural type 2 (EDSMC2). Identifiers: Orphanet 2953, MedGen C3809845, MONDO:0014236, OMIM 615539.

Allele frequency attached by ClinVar (database versions not stated): gnomAD 0.00001; TOPMed 0.00001; gnomAD exomes 0.00002; 1000 Genomes Project 30x 0.00016; 1000 Genomes Project 0.00020.
gnomAD v4.1: 35 of 1,614,158 alleles (0.0022%); highest among the groups gnomAD compares: Middle Eastern, 0.12%; no homozygotes.

Submissions (4):

Mayo Clinic Laboratories, Mayo Clinic
Classification: Likely benign. Last evaluated: 2025-03-26. Review status: criteria provided, single submitter. Criteria: ACMG Guidelines, 2015. Collection method: clinical testing. Allele origin: germline. Observed: 1 variant allele.
Comment: BP4, BP7, PM2_supporting

Labcorp Genetics (formerly Invitae), Labcorp
Classification: Likely benign for Ehlers-Danlos syndrome, musculocontractural type 2. Last evaluated: 2024-09-13. Review status: criteria provided, single submitter. Criteria: Invitae Variant Classification Sherloc (09022015). Collection method: clinical testing. Allele origin: germline.

Blueprint Genetics
Classification: Likely benign. Last evaluated: 2024-03-28. Review status: criteria provided, single submitter. Criteria: ACMG Guidelines, 2015. Collection method: clinical testing. Allele origin: germline.

CeGaT Center for Human Genetics Tuebingen
Classification: Likely benign. Last evaluated: 2023-05-01. Review status: criteria provided, single submitter. Criteria: CeGaT Center For Human Genetics Tuebingen Variant Classification Criteria Version 2. Collection method: clinical testing. Allele origin: germline. Affected: yes. Observed: 1 variant allele.
Comment: DSE: BP4

NM_013352.4(DSE):c.144C>T (p.Phe48=)

Gene: DSE (dermatan sulfate epimerase; plus strand). Cytogenetic location: 6q22.1.
Variant type: single nucleotide variant.
Coding change: c.144C>T on transcript NM_013352.4 (MANE Select); coding-DNA position 144, C replaced by T.
Protein change: p.Phe48=; no amino-acid change (phenylalanine 48 retained).
Molecular consequence: synonymous variant. On other transcripts: 5 prime UTR variant (4), non-coding transcript variant (1).
Genome position (GRCh38, 1-based): chr6:116,399,394, C>T. VCF-style: chr6-116399394-C-T. GRCh37 (hg19) VCF-style: chr6-116720557-C-T.
Other names: p.Phe48=; c.144C>T, p.Phe48= (NM_001080976.3, NM_001322937.2, NM_001322938.2 and 3 more transcripts); c.201C>T, p.Phe67= (NM_001322939.2); c.-414C>T (NM_001322940.2, NM_001322941.2); c.-757C>T (NM_001374520.1); c.-444C>T (NM_001374521.1).
Identifiers: ClinVar variation 2168106 (VCV002168106.30), dbSNP rs562789659, ClinGen allele CA146391170.